The following is an entry in ClinVar:

NM_004656.4(BAP1):c.2054A>T (p.Glu685Val)

Gene: BAP1 (BRCA1 associated deubiquitinase 1; minus strand). Cytogenetic location: 3p21.1.
Variant type: single nucleotide variant.
Coding change: c.2054A>T on transcript NM_004656.4 (MANE Select); coding-DNA position 2054, A replaced by T.
Protein change: p.Glu685Val; replaces glutamic acid 685 with valine.
Molecular consequence: missense variant.
Genome position (GRCh38, 1-based): chr3:52,402,604, T>A on the plus strand (A>T on the coding strand, the complement: BAP1 is on the minus strand). VCF-style: chr3-52402604-T-A. GRCh37 (hg19) VCF-style: chr3-52436620-T-A.
Other names: c.2000A>T, p.Glu667Val (NM_001410772.1); short protein forms E667V, E685V.
Identifiers: ClinVar variation 2762648 (VCV002762648.3), dbSNP rs2153226177, ClinGen allele CA353096117.

ClinVar aggregate classification (germline): Uncertain significance (1 of 4 stars; one submission).

Conditions:
BAP1-related tumor predisposition syndrome (TPDS1). Also called: Tumor susceptibility linked to germline BAP1 mutations; TUMOR PREDISPOSITION SYNDROME 1; BAP1 tumor predisposition syndrome; COMMON Syndrome. Identifiers: Orphanet 289539, MedGen C3280492, MONDO:0013692, OMIM 614327.

Submission:

Labcorp Genetics (formerly Invitae), Labcorp
Classification: Uncertain significance for BAP1-related tumor predisposition syndrome. Last evaluated: 2023-10-05. Review status: criteria provided, single submitter. Criteria: Invitae Variant Classification Sherloc (09022015). Collection method: clinical testing. Allele origin: germline.
Comment: This sequence change replaces glutamic acid, which is acidic and polar, with valine, which is neutral and non-polar, at codon 685 of the BAP1 protein (p.Glu685Val). This variant is not present in population databases (gnomAD no frequency). This missense change has been observed in individual(s) with malignant mesothelioma (PMID: 25830670). An algorithm developed to predict the effect of missense changes on protein structure and function (PolyPhen-2) suggests that this variant is likely to be disruptive. Studies have shown that this missense change is associated with altered splicing resulting in multiple RNA products (PMID: 25830670). In summary, the available evidence is currently insufficient to determine the role of this variant in disease. Therefore, it has been classified as a Variant of Uncertain Significance.

Literature cited by the submitters: PubMed 25830670.